The following is an entry in ClinVar:

NM_001001557.4(GDF6):c.1002_1003delinsAG (p.Arg335Gly)

Gene: GDF6 (growth differentiation factor 6; minus strand). Cytogenetic location: 8q22.1.
Variant type: Indel.
Coding change: c.1002_1003delinsAG on transcript NM_001001557.4 (MANE Select); coding-DNA positions 1002 to 1003, GC replaced by AG.
Protein change: p.Arg335Gly; replaces arginine 335 with glycine.
Molecular consequence: missense variant.
Genome position (GRCh38, 1-based): chr8:96,144,928-96,144,929, GC replaced by CT on the plus strand (GC replaced by AG on the coding strand, the reverse complement: GDF6 is on the minus strand). VCF-style: chr8-96144928-GC-CT. GRCh37 (hg19) VCF-style: chr8-97157156-GC-CT.
Other names: short protein forms R335G.
Identifiers: ClinVar variation 836825 (VCV000836825.11), dbSNP rs1812445134, ClinGen allele CA916083007.

ClinVar aggregate classification (germline): Uncertain significance (1 of 4 stars; one submission).

Conditions:
Leber congenital amaurosis 17 (LCA17). Identifiers: Orphanet 65, MedGen C3715164, MONDO:0014145, OMIM 615360.
Klippel-Feil syndrome 1, autosomal dominant (KFS1). Also called: CERVICAL VERTEBRAL FUSION, AUTOSOMAL DOMINANT. Identifiers: Orphanet 2345, MedGen C1861689, MONDO:0007306, OMIM 118100.
Isolated microphthalmia 4. Identifiers: Orphanet 2542, MedGen C2751307, MONDO:0013130, OMIM 613094.
Microphthalmia, isolated, with coloboma 6 (MCOPCB6). Also called: MICROPHTHALMIA/COLOBOMA 6; Microphthalmia with coloboma 6, digenic; Microphthalmia with coloboma 6. Identifiers: Orphanet 98938, MedGen C3150968, MONDO:0013376, OMIM 613703.

Submission:

Labcorp Genetics (formerly Invitae), Labcorp
Classification: Uncertain significance for Isolated microphthalmia 4; Leber congenital amaurosis 17; Klippel-Feil syndrome 1, autosomal dominant; Microphthalmia, isolated, with coloboma 6. Last evaluated: 2022-07-06. Review status: criteria provided, single submitter. Criteria: Invitae Variant Classification Sherloc (09022015). Collection method: clinical testing. Allele origin: germline.
Comment: ClinVar contains an entry for this variant (Variation ID: 836825). In summary, the available evidence is currently insufficient to determine the role of this variant in disease. Therefore, it has been classified as a Variant of Uncertain Significance. Experimental studies and prediction algorithms are not available or were not evaluated, and the functional significance of this variant is currently unknown. This variant has not been reported in the literature in individuals affected with GDF6-related conditions. Information on the frequency of this variant in the gnomAD database is not available, as this variant may be reported differently in the database. This sequence change replaces arginine, which is basic and polar, with glycine, which is neutral and non-polar, at codon 335 of the GDF6 protein (p.Arg335Gly).